The following is an entry in ClinVar:

ClinVar aggregate classification (germline): Uncertain significance (1 of 4 stars; one submission).

Conditions:
RYR1-related disorder. Also called: RYR1-related condition; RYR1-related disorders. Identifiers: MedGen CN239331.

Submission:

Labcorp Genetics (formerly Invitae), Labcorp
Classification: Uncertain significance for RYR1-related disorder. Last evaluated: 2023-12-11. Review status: criteria provided, single submitter. Criteria: Invitae Variant Classification Sherloc (09022015). Collection method: clinical testing. Allele origin: germline.
Comment: This sequence change falls in intron 33 of the RYR1 gene. It does not directly change the encoded amino acid sequence of the RYR1 protein. It affects a nucleotide within the consensus splice site. This variant is not present in population databases (gnomAD no frequency). This variant has not been reported in the literature in individuals affected with RYR1-related conditions. ClinVar contains an entry for this variant (Variation ID: 2036390). Variants that disrupt the consensus splice site are a relatively common cause of aberrant splicing (PMID: 17576681, 9536098). Algorithms developed to predict the effect of sequence changes on RNA splicing suggest that this variant may disrupt the consensus splice site. In summary, the available evidence is currently insufficient to determine the role of this variant in disease. Therefore, it has been classified as a Variant of Uncertain Significance.

Literature cited by the submitters: PubMed 17576681; PubMed 9536098.

NM_000540.3(RYR1):c.4934+5G>C

Gene: RYR1 (ryanodine receptor 1; plus strand). Cytogenetic location: 19q13.2.
Variant type: single nucleotide variant.
Coding change: c.4934+5G>C on transcript NM_000540.3 (MANE Select); 5 bases into the intron after coding-DNA position 4934, G replaced by C.
Molecular consequence: intron variant.
Genome position (GRCh38, 1-based): chr19:38,483,521, G>C. VCF-style: chr19-38483521-G-C. GRCh37 (hg19) VCF-style: chr19-38974161-G-C.
Other names: c.4934+5G>C (NM_001042723.2).
Identifiers: ClinVar variation 2036390 (VCV002036390.4), dbSNP rs2514215445, ClinGen allele CA2580096927.